The following is an entry in ClinVar:

NM_178857.6(RP1L1):c.6159C>T (p.Asp2053=)

Gene: RP1L1 (RP1 like 1). Cytogenetic location: 8p23.1.
Variant type: single nucleotide variant.
Coding change: c.6159C>T on transcript NM_178857.6 (MANE Select); coding-DNA position 6159, C replaced by T.
Protein change: p.Asp2053=; no amino-acid change (aspartic acid 2053 retained).
Molecular consequence: synonymous variant.
Genome position (GRCh38, 1-based): chr8:10,607,939, G>A on the plus strand (C>T on the coding strand, the complement: RP1L1 is on the minus strand). VCF-style: chr8-10607939-G-A. GRCh37 (hg19) VCF-style: chr8-10465449-G-A.
Identifiers: ClinVar variation 361230 (VCV000361230.30), dbSNP rs368139274, ClinGen allele CA4623432.

ClinVar aggregate classification (germline): Benign/Likely benign. Review status: criteria provided, multiple submitters, no conflicts (2 of 4 stars). 3 submissions from 3 submitters: Benign (1); Likely benign (2). Last evaluated 2024-10-24.

Conditions:
Occult macular dystrophy (OCMD). Also called: OMD; OCCULT MACULAR DYSTROPHY, SUSCEPTIBILITY TO. Identifiers: Orphanet 247834, MedGen C3150833, MONDO:0013316, OMIM 613587, HP:0030636.

Allele frequency attached by ClinVar (database versions not stated): gnomAD exomes 0.00023 and 0.00036; ESP Exome Variant Server 0.00024; gnomAD 0.00034 and 0.00049; ExAC 0.00039.
gnomAD v4.1: 393 of 1,535,230 alleles (0.026%); highest among the groups gnomAD compares: Admixed American, 0.055%; no homozygotes.

Submissions (3):

Blueprint Genetics
Classification: Likely benign. Last evaluated: 2024-10-24. Review status: criteria provided, single submitter. Criteria: ACMG Guidelines, 2015. Collection method: clinical testing. Allele origin: germline.

CeGaT Center for Human Genetics Tuebingen
Classification: Likely benign. Last evaluated: 2023-02-01. Review status: criteria provided, single submitter. Criteria: CeGaT Center For Human Genetics Tuebingen Variant Classification Criteria Version 2. Collection method: clinical testing. Allele origin: germline. Affected: yes. Observed: 2 variant alleles.
Comment: RP1L1: BP4, BP7

Illumina Laboratory Services, Illumina
Classification: Benign for Occult macular dystrophy. Last evaluated: 2018-01-13. Review status: criteria provided, single submitter. Criteria: ICSL Variant Classification Criteria 13 December 2019. Collection method: clinical testing. Allele origin: germline.
Comment: This variant was observed in the ICSL laboratory as part of a predisposition screen in an ostensibly healthy population. It had not been previously curated by ICSL or reported in the Human Gene Mutation Database (HGMD: prior to June 1st, 2018), and was therefore a candidate for classification through an automated scoring system. Utilizing variant allele frequency, disease prevalence and penetrance estimates, and inheritance mode, an automated score was calculated to assess if this variant is too frequent to cause the disease. Based on the score and internal cut-off values, a variant classified as benign is not then subjected to further curation. The score for this variant resulted in a classification of benign for this disease.